The following is an entry in ClinVar:

ClinVar aggregate classification (germline): Uncertain significance. Review status: criteria provided, multiple submitters, no conflicts (2 of 4 stars). 2 submissions from 2 submitters: Uncertain significance (2). Last evaluated 2025-10-02.

Conditions:
Cardiovascular phenotype. Identifiers: MedGen CN230736.
Progressive familial heart block type IB (PFHB1B). Identifiers: Orphanet 871, MedGen C1970298, MONDO:0011474, OMIM 604559.

Submissions (2):

Labcorp Genetics (formerly Invitae), Labcorp
Classification: Uncertain significance for Progressive familial heart block type IB. Last evaluated: 2025-10-02. Review status: criteria provided, single submitter. Criteria: Invitae Variant Classification Sherloc (09022015). Collection method: clinical testing. Allele origin: germline.
Comment: This sequence change replaces arginine, which is basic and polar, with serine, which is neutral and polar, at codon 755 of the TRPM4 protein (p.Arg755Ser). This variant is present in population databases (no rsID available, gnomAD 0.01%). This variant has not been reported in the literature in individuals affected with TRPM4-related conditions. ClinVar contains an entry for this variant (Variation ID: 3462128). An algorithm developed to predict the effect of missense changes on protein structure and function (PolyPhen-2) suggests that this variant is likely to be tolerated. In summary, the available evidence is currently insufficient to determine the role of this variant in disease. Therefore, it has been classified as a Variant of Uncertain Significance.

Ambry Genetics
Classification: Uncertain significance for Cardiovascular phenotype. Last evaluated: 2024-10-08. Review status: criteria provided, single submitter. Criteria: Ambry Variant Classification Scheme 2023. Collection method: clinical testing. Allele origin: germline.
Comment: The p.R755S variant (also known as c.2263C>A), located in coding exon 17 of the TRPM4 gene, results from a C to A substitution at nucleotide position 2263. The arginine at codon 755 is replaced by serine, an amino acid with dissimilar properties. This amino acid position is conserved. In addition, this alteration is predicted to be tolerated by in silico analysis. Based on the available evidence, the clinical significance of this variant remains unclear.

NM_017636.4(TRPM4):c.2263C>A (p.Arg755Ser)

Gene: TRPM4 (transient receptor potential cation channel subfamily M member 4; plus strand). Cytogenetic location: 19q13.33.
Variant type: single nucleotide variant.
Coding change: c.2263C>A on transcript NM_017636.4 (MANE Select); coding-DNA position 2263, C replaced by A.
Protein change: p.Arg755Ser; replaces arginine 755 with serine.
Molecular consequence: missense variant. On other transcripts: intron variant (1).
Genome position (GRCh38, 1-based): chr19:49,196,492, C>A. VCF-style: chr19-49196492-C-A. GRCh37 (hg19) VCF-style: chr19-49699749-C-A.
Other names: c.1918C>A, p.Arg640Ser (NM_001321281.2); c.655C>A, p.Arg219Ser (NM_001321282.2); c.1741C>A, p.Arg581Ser (NM_001321283.2); c.1201C>A, p.Arg401Ser (NM_001321285.2); c.2211-3808C>A (NM_001195227.2); short protein forms R401S, R640S, R219S, R581S, R755S.
Identifiers: ClinVar variation 3462128 (VCV003462128.3).